The following is an entry in ClinVar:

ClinVar aggregate classification (germline): Uncertain significance (1 of 4 stars; one submission).

gnomAD v4.1: 3 of 1,614,188 alleles (0.00019%); highest among the groups gnomAD compares: Non-Finnish European, 0.00025%; no homozygotes.

Submission:

Labcorp Genetics (formerly Invitae), Labcorp
Classification: Uncertain significance. Last evaluated: 2022-07-24. Review status: criteria provided, single submitter. Criteria: Invitae Variant Classification Sherloc (09022015). Collection method: clinical testing. Allele origin: germline.
Comment: Algorithms developed to predict the effect of missense changes on protein structure and function output the following: SIFT: "Tolerated"; PolyPhen-2: "Benign"; Align-GVGD: "Class C0". The glutamic acid amino acid residue is found in multiple mammalian species, which suggests that this missense change does not adversely affect protein function. This variant has not been reported in the literature in individuals affected with LAMC3-related conditions. This variant is not present in population databases (gnomAD no frequency). This sequence change replaces alanine, which is neutral and non-polar, with glutamic acid, which is acidic and polar, at codon 1299 of the LAMC3 protein (p.Ala1299Glu). In summary, the available evidence is currently insufficient to determine the role of this variant in disease. Therefore, it has been classified as a Variant of Uncertain Significance.

NM_006059.4(LAMC3):c.3896C>A (p.Ala1299Glu)

Gene: LAMC3 (laminin subunit gamma 3; plus strand). Cytogenetic location: 9q34.12.
Variant type: single nucleotide variant.
Coding change: c.3896C>A on transcript NM_006059.4 (MANE Select); coding-DNA position 3896, C replaced by A.
Protein change: p.Ala1299Glu; replaces alanine 1299 with glutamic acid.
Molecular consequence: missense variant.
Genome position (GRCh38, 1-based): chr9:131,079,267, C>A. VCF-style: chr9-131079267-C-A. GRCh37 (hg19) VCF-style: chr9-133954654-C-A.
Other names: short protein forms A1299E.
Identifiers: ClinVar variation 2125123 (VCV002125123.4), dbSNP rs766329966, ClinGen allele CA375262984.
Genomic context (GRCh38, chr9:131,079,267, plus strand): 5'-TTGCATCATGGCAGCACATGGCCACTGAGGCTGCCCGAACCCTCCAGACTGCTGCCCAGG[C>A]GACGCTACGGCAAACAGAACCCCTCACAAAGGTCAGCTCTTGTGCTTTGAAGCAGGGGAC-3'
Protein context (NP_006050.3, residues 1289-1309): AARTLQTAAQ[Ala1299Glu]TLRQTEPLTK